The following is an entry in ClinVar:

ClinVar aggregate classification (germline): Uncertain significance. Review status: criteria provided, multiple submitters, no conflicts (2 of 4 stars). 2 submissions from 2 submitters: Uncertain significance (2). Last evaluated 2025-02-16.

Conditions:
Hereditary cancer-predisposing syndrome. Also called: Tumor predisposition; Neoplastic Syndromes, Hereditary; Hereditary Cancer Syndrome; Hereditary neoplastic syndrome. Identifiers: Orphanet 140162, MedGen C0027672, MeSH D009386, MONDO:0015356.
Familial cancer of breast. Also called: Hereditary breast cancer; BREAST CANCER, FAMILIAL; hereditary breast carcinoma. Identifiers: Orphanet 227535, MedGen C0346153, MONDO:0016419, OMIM 114480. Disease mechanism: loss of function.

Allele frequency attached by ClinVar (database versions not stated): gnomAD 0.00001.
gnomAD v4.1: 1 of 1,614,014 alleles (0.000062%); highest among the groups gnomAD compares: Non-Finnish European, 0.000085%; no homozygotes.

Submissions (2):

Ambry Genetics
Classification: Uncertain significance for Hereditary cancer-predisposing syndrome. Last evaluated: 2025-02-16. Review status: criteria provided, single submitter. Criteria: Ambry Variant Classification Scheme 2023. Collection method: clinical testing. Allele origin: germline.
Comment: The p.L1047F variant (also known as c.3141G>T), located in coding exon 19 of the BRIP1 gene, results from a G to T substitution at nucleotide position 3141. The leucine at codon 1047 is replaced by phenylalanine, an amino acid with highly similar properties. This amino acid position is highly conserved in available vertebrate species. In addition, this alteration is predicted to be tolerated by in silico analysis. Since supporting evidence is limited at this time, the clinical significance of this alteration remains unclear.

Baylor Genetics
Classification: Uncertain significance for Familial cancer of breast. Last evaluated: 2024-03-22. Review status: criteria provided, single submitter. Criteria: ACMG Guidelines, 2015. Collection method: clinical testing. Allele origin: unknown.

NM_032043.3(BRIP1):c.3141G>T (p.Leu1047Phe)

Gene: BRIP1 (BRCA1 interacting DNA helicase 1; minus strand). Cytogenetic location: 17q23.2.
Variant type: single nucleotide variant.
Coding change: c.3141G>T on transcript NM_032043.3 (MANE Select); coding-DNA position 3141, G replaced by T.
Protein change: p.Leu1047Phe; replaces leucine 1047 with phenylalanine.
Molecular consequence: missense variant.
Genome position (GRCh38, 1-based): chr17:61,683,905, C>A on the plus strand (G>T on the coding strand, the complement: BRIP1 is on the minus strand). VCF-style: chr17-61683905-C-A. GRCh37 (hg19) VCF-style: chr17-59761266-C-A.
Other names: short protein forms L1047F.
Identifiers: ClinVar variation 1728101 (VCV001728101.4), dbSNP rs2061318568, ClinGen allele CA400479580.